The following is an entry in ClinVar:

ClinVar aggregate classification (germline): Likely benign. Review status: criteria provided, multiple submitters, no conflicts (2 of 4 stars). 3 submissions from 3 submitters: Likely benign (3). Last evaluated 2025-12-23.

Conditions:
Familial hypercholesterolemia. Also called: Familial hypercholesterolaemia; Familial hypercholesterolemias. Identifiers: MedGen C0020445, MONDO:0005439.
Cardiovascular phenotype. Identifiers: MedGen CN230736.
Hypercholesterolemia, autosomal dominant, type B (FHCL2). Also called: Hyperlipoproteinemia Type IIb; Familial Hypercholesterolemia Type B; APOLIPOPROTEIN B-100, FAMILIAL DEFECTIVE; APOLIPOPROTEIN B-100, FAMILIAL LIGAND-DEFECTIVE; HYPERCHOLESTEROLEMIA, FAMILIAL, DUE TO LIGAND-DEFECTIVE APOLIPOPROTEIN B; APOB-Related Familial Hypercholesterolemia, Autosomal Dominant. Identifiers: MedGen C1704417, MONDO:0007751, OMIM 144010.
Familial hypobetalipoproteinemia 1. Also called: Hypobetalipoproteinemia, normotriglyceridemic; Acanthocytosis with hypobetalipoproteinemia; APOB-Related Familial Hypobetalipoproteinemia. Identifiers: MedGen C4551990, MONDO:0014252, OMIM 615558.

Allele frequency attached by ClinVar (database versions not stated): ExAC 0.00001; gnomAD exomes 0.00001; TOPMed 0.00001; ESP Exome Variant Server 0.00015.

Submissions (3):

Labcorp Genetics (formerly Invitae), Labcorp
Classification: Likely benign for Familial hypobetalipoproteinemia 1; Hypercholesterolemia, autosomal dominant, type B. Last evaluated: 2025-12-23. Review status: criteria provided, single submitter. Criteria: Invitae Variant Classification Sherloc (09022015). Collection method: clinical testing. Allele origin: germline.

GENinCode PLC
Classification: Likely benign for Familial hypercholesterolemia. Last evaluated: 2025-01-09. Review status: criteria provided, single submitter. Criteria: ACMG Guidelines, 2015. Collection method: clinical testing. Allele origin: germline.
Comment: This is a synonymous (silent) variant that is not predicted to impact splicing and occurs at a nucleotide which is not highly conserved. This variant has been classified as Likely Benign (BP4, BP7).

Ambry Genetics
Classification: Likely benign for Cardiovascular phenotype. Last evaluated: 2020-01-26. Review status: criteria provided, single submitter. Criteria: Ambry Variant Classification Scheme 2023. Collection method: clinical testing. Allele origin: germline.

NM_000384.3(APOB):c.9342T>C (p.His3114=)

Gene: APOB (apolipoprotein B; minus strand). Cytogenetic location: 2p24.1.
Variant type: single nucleotide variant.
Coding change: c.9342T>C on transcript NM_000384.3 (MANE Select); coding-DNA position 9342, T replaced by C.
Protein change: p.His3114=; no amino-acid change (histidine 3114 retained).
Molecular consequence: synonymous variant.
Genome position (GRCh38, 1-based): chr2:21,007,526, A>G on the plus strand (T>C on the coding strand, the complement: APOB is on the minus strand). VCF-style: chr2-21007526-A-G. GRCh37 (hg19) VCF-style: chr2-21230398-A-G.
Identifiers: ClinVar variation 1646405 (VCV001646405.11), dbSNP rs142422110, ClinGen allele CA066463.
Genomic context (GRCh38, chr2:21,007,526, plus strand): 5'-TTCAGGAATTGTTAAAGGAATGTTTAAGAAATCCAGATTTGCTTCTCCATTTATTCCTAC[A>G]TGGGCCTCCATAATGTTCTCGTTGTTTCCAGCAGAGAAATTTTGGTTGTACTTATACTGA-3'
Protein context (NP_000375.3, residues 3104-3124): AGNNENIMEA[His3114=]VGINGEANLD